The following is an entry in ClinVar:

NM_001127178.3(PIGG):c.2240C>T (p.Pro747Leu)

Gene: PIGG (phosphatidylinositol glycan anchor biosynthesis class G (EMM blood group); plus strand). Cytogenetic location: 4p16.3.
Variant type: single nucleotide variant.
Coding change: c.2240C>T on transcript NM_001127178.3 (MANE Select); coding-DNA position 2240, C replaced by T.
Protein change: p.Pro747Leu; replaces proline 747 with leucine.
Molecular consequence: missense variant. On other transcripts: non-coding transcript variant (10).
Genome position (GRCh38, 1-based): chr4:527,209, C>T. VCF-style: chr4-527209-C-T. GRCh37 (hg19) VCF-style: chr4-520998-C-T.
Other names: c.1973C>T, p.Pro658Leu (NM_001289051.2, NM_001345986.2); c.1841C>T, p.Pro614Leu (NM_001289052.2); c.1949C>T, p.Pro650Leu (NM_001345987.2); c.1211C>T, p.Pro404Leu (NM_001345988.2); c.707C>T, p.Pro236Leu (NM_001345990.2, NM_001345991.2); c.1142C>T, p.Pro381Leu (NM_001345994.2); c.2216C>T, p.Pro739Leu (NM_017733.5); c.2240C>T (NM_001127178.2); short protein forms P236L, P404L, P650L, P747L, P658L, P739L, P381L, P614L.
Identifiers: ClinVar variation 1033297 (VCV001033297.8), dbSNP rs1329504961, ClinGen allele CA355909102.

ClinVar aggregate classification (germline): Uncertain significance. Review status: criteria provided, multiple submitters, no conflicts (2 of 4 stars). 3 submissions from 3 submitters: Uncertain significance (3). Last evaluated 2026-03-31.

Conditions:
Intellectual disability, autosomal recessive 53 (NEDHSCA). Also called: NEURODEVELOPMENTAL DISORDER WITH OR WITHOUT HYPOTONIA, SEIZURES, AND CEREBELLAR ATROPHY; GLYCOSYLPHOSPHATIDYLINOSITOL BIOSYNTHESIS DEFECT 13; Mental retardation, autosomal recessive 53. Identifiers: Orphanet 488635, MedGen C4310794, MONDO:0014832, OMIM 616917.

Allele frequency attached by ClinVar (database versions not stated): TOPMed 0.00001.

Submissions (3):

GeneDx
Classification: Uncertain significance. Last evaluated: 2026-03-31. Review status: criteria provided, single submitter. Criteria: GeneDx Variant Classification Process June 2021. Collection method: clinical testing. Allele origin: germline.
Comment: Not observed at significant frequency in large population cohorts (gnomAD); In silico analysis suggests that this missense variant does not alter protein structure/function; Has not been previously published as pathogenic or benign to our knowledge

Labcorp Genetics (formerly Invitae), Labcorp
Classification: Uncertain significance for Intellectual disability, autosomal recessive 53. Last evaluated: 2022-11-02. Review status: criteria provided, single submitter. Criteria: Invitae Variant Classification Sherloc (09022015). Collection method: clinical testing. Allele origin: germline.
Comment: This variant has not been reported in the literature in individuals affected with PIGG-related conditions. In summary, the available evidence is currently insufficient to determine the role of this variant in disease. Therefore, it has been classified as a Variant of Uncertain Significance. Advanced modeling of protein sequence and biophysical properties (such as structural, functional, and spatial information, amino acid conservation, physicochemical variation, residue mobility, and thermodynamic stability) performed at Invitae indicates that this missense variant is not expected to disrupt PIGG protein function. ClinVar contains an entry for this variant (Variation ID: 1033297). This variant is present in population databases (no rsID available, gnomAD 0.003%). This sequence change replaces proline, which is neutral and non-polar, with leucine, which is neutral and non-polar, at codon 747 of the PIGG protein (p.Pro747Leu).

Baylor Genetics
Classification: Uncertain significance for Intellectual disability, autosomal recessive 53. Last evaluated: 2018-07-30. Review status: criteria provided, single submitter. Criteria: ACMG Guidelines, 2015. Collection method: clinical testing. Allele origin: paternal. Affected: yes.
Comment: This variant was determined to be of uncertain significance according to ACMG Guidelines, 2015 [PMID:25741868].